The following is an entry in ClinVar:

NM_001875.5(CPS1):c.412A>C (p.Lys138Gln)

Gene: CPS1 (carbamoyl-phosphate synthase 1; plus strand). Cytogenetic location: 2q34.
Variant type: single nucleotide variant.
Coding change: c.412A>C on transcript NM_001875.5 (MANE Select); coding-DNA position 412, A replaced by C.
Protein change: p.Lys138Gln; replaces lysine 138 with glutamine.
Molecular consequence: missense variant. On other transcripts: non-coding transcript variant (1).
Genome position (GRCh38, 1-based): chr2:210,577,451, A>C. VCF-style: chr2-210577451-A-C. GRCh37 (hg19) VCF-style: chr2-211442175-A-C.
Other names: c.412A>C, p.Lys138Gln (NM_001122633.3, NM_001369257.1); c.445A>C, p.Lys149Gln (NM_001369256.1); short protein forms K138Q, K149Q.
Identifiers: ClinVar variation 2164710 (VCV002164710.2), dbSNP rs1416290925, ClinGen allele CA350424834.

ClinVar aggregate classification (germline): Uncertain significance (1 of 4 stars; one submission).

Conditions:
Congenital hyperammonemia, type I. Also called: Carbamoyl-phosphate synthase I deficiency; CPS I DEFICIENCY; Carbamoyl phosphate synthetase 1 deficiency; Hyperammonemia due to carbamoyl phosphate synthetase 1 deficiency; CPS 1 deficiency; Carbamyl phosphate synthetase (CPS) deficiency. Identifiers: Orphanet 147, MedGen C4082171, MONDO:0009376, OMIM 237300.

Allele frequency attached by ClinVar (database versions not stated): TOPMed below 0.00001; gnomAD exomes 0.00001.
gnomAD v4.1: 3 of 1,613,924 alleles (0.00019%); highest among the groups gnomAD compares: Admixed American, 0.005%; no homozygotes.

Submission:

Labcorp Genetics (formerly Invitae), Labcorp
Classification: Uncertain significance for Congenital hyperammonemia, type I. Last evaluated: 2024-09-06. Review status: criteria provided, single submitter. Criteria: Invitae Variant Classification Sherloc (09022015). Collection method: clinical testing. Allele origin: germline.
Comment: This sequence change replaces lysine, which is basic and polar, with glutamine, which is neutral and polar, at codon 138 of the CPS1 protein (p.Lys138Gln). This variant is not present in population databases (gnomAD no frequency). This variant has not been reported in the literature in individuals affected with CPS1-related conditions. ClinVar contains an entry for this variant (Variation ID: 2164710). Invitae Evidence Modeling of protein sequence and biophysical properties (such as structural, functional, and spatial information, amino acid conservation, physicochemical variation, residue mobility, and thermodynamic stability) indicates that this missense variant is not expected to disrupt CPS1 protein function with a negative predictive value of 95%. In summary, the available evidence is currently insufficient to determine the role of this variant in disease. Therefore, it has been classified as a Variant of Uncertain Significance.